The following is an entry in ClinVar:

NM_001999.4(FBN2):c.3459GAA[1] (p.Lys1154del)

Gene: FBN2 (fibrillin 2; minus strand). Cytogenetic location: 5q23.3.
Variant type: Microsatellite.
Coding change: c.3459GAA[1] on transcript NM_001999.4 (MANE Select); one copy of the 3-base unit GAA starting at c.3459; the reference has two copies in a row; one copy, 3 bases deleted.
Protein change: p.Lys1154del; deletes lysine 1154.
Molecular consequence: inframe deletion.
Genome position (GRCh38, 1-based): chr5:128,338,941-128,338,943, TTC deleted on the plus strand (GAA on the coding strand, the reverse complement: FBN2 is on the minus strand); deleting any 3 consecutive bases within chr5:128,338,941-128,338,946 gives the same sequence; the position shown is the placement nearest the transcript's 3' end. VCF-style (leftmost placement, unchanged base first): chr5-128338940-GTTC-G. GRCh37 (hg19) VCF-style: chr5-127674632-GTTC-G.
Other names: short protein forms K1154del.
Identifiers: ClinVar variation 547355 (VCV000547355.18), dbSNP rs1554123139, ClinGen allele CA658822466.

ClinVar aggregate classification (germline): Conflicting classifications of pathogenicity. Review status: criteria provided, conflicting classifications (1 of 4 stars). 2 submissions from 2 submitters: Likely pathogenic (1); Uncertain significance (1). Last evaluated 2024-07-01.

Conditions:
Congenital contractural arachnodactyly (CCA). Also called: BEALS SYNDROME; Beals-Hecht syndrome; Arthrogryposis, distal, type 9. Identifiers: Orphanet 115, MedGen C0220668, MONDO:0007363, OMIM 121050.

Submissions (2):

CeGaT Center for Human Genetics Tuebingen
Classification: Uncertain significance. Last evaluated: 2024-07-01. Review status: criteria provided, single submitter. Criteria: CeGaT Center For Human Genetics Tuebingen Variant Classification Criteria Version 2. Collection method: clinical testing. Allele origin: germline. Affected: yes. Observed: 1 variant allele.
Comment: FBN2: PM2:Supporting, PM4:Supporting

Center for Human Genetics, Inc
Classification: Likely pathogenic for Congenital contractural arachnodactyly. Last evaluated: 2016-11-01. Review status: criteria provided, single submitter. Criteria: ACMG Guidelines, 2015. Collection method: clinical testing. Allele origin: germline. Affected: yes.